The following is an entry in ClinVar:

ClinVar aggregate classification (germline): Uncertain significance (1 of 4 stars; one submission).

Allele frequency attached by ClinVar (database versions not stated): ExAC 0.00001.
gnomAD v4.1: 2 of 1,612,938 alleles (0.00012%); highest among the groups gnomAD compares: South Asian, 0.0011%; no homozygotes.

Submission:

Labcorp Genetics (formerly Invitae), Labcorp
Classification: Uncertain significance. Last evaluated: 2022-05-14. Review status: criteria provided, single submitter. Criteria: Invitae Variant Classification Sherloc (09022015). Collection method: clinical testing. Allele origin: germline.
Comment: This sequence change replaces histidine, which is basic and polar, with glutamine, which is neutral and polar, at codon 159 of the APOA1 protein (p.His159Gln). In summary, the available evidence is currently insufficient to determine the role of this variant in disease. Therefore, it has been classified as a Variant of Uncertain Significance. Algorithms developed to predict the effect of missense changes on protein structure and function output the following: SIFT: "Not Available"; PolyPhen-2: "Benign"; Align-GVGD: "Not Available". The glutamine amino acid residue is found in multiple mammalian species, which suggests that this missense change does not adversely affect protein function. This variant has not been reported in the literature in individuals affected with APOA1-related conditions. This variant is not present in population databases (gnomAD no frequency).

NM_000039.3(APOA1):c.477C>A (p.His159Gln)

Genes: APOA1 (apolipoprotein A1; minus strand), APOA1-AS (APOA1 antisense RNA; plus strand). Cytogenetic location: 11q23.3.
Variant type: single nucleotide variant.
Coding change: c.477C>A on transcript NM_000039.3 (MANE Select); coding-DNA position 477, C replaced by A.
Protein change: p.His159Gln; replaces histidine 159 with glutamine.
Molecular consequence: missense variant. On other transcripts: non-coding transcript variant (1).
Genome position (GRCh38, 1-based): chr11:116,836,135, G>T on the plus strand (C>A on the coding strand, the complement: APOA1 is on the minus strand). VCF-style: chr11-116836135-G-T. GRCh37 (hg19) VCF-style: chr11-116706851-G-T.
Other names: c.477C>A, p.His159Gln (NM_001318017.2, NM_001318018.2); c.150C>A, p.His50Gln (NM_001318021.2); short protein forms H159Q, H50Q.
Identifiers: ClinVar variation 1994280 (VCV001994280.4), dbSNP rs749164883, ClinGen allele CA6289803.